The following is an entry in ClinVar:

NM_001081550.2(THOC2):c.3905A>G (p.Lys1302Arg)

Gene: THOC2 (THO complex subunit 2; minus strand). Cytogenetic location: Xq25.
Variant type: single nucleotide variant.
Coding change: c.3905A>G on transcript NM_001081550.2 (MANE Select); coding-DNA position 3905, A replaced by G.
Protein change: p.Lys1302Arg; replaces lysine 1302 with arginine.
Molecular consequence: missense variant.
Genome position (GRCh38, 1-based): chrX:123,621,468, T>C on the plus strand (A>G on the coding strand, the complement: THOC2 is on the minus strand). VCF-style: chrX-123621468-T-C. GRCh37 (hg19) VCF-style: chrX-122755319-T-C.
Other names: c.3905A>G, p.Lys1302Arg (NM_001441235.1, NM_001441236.1); short protein forms K1302R.
Identifiers: ClinVar variation 4633120 (VCV004633120.3).

ClinVar aggregate classification (germline): Uncertain significance. Review status: criteria provided, multiple submitters, no conflicts (2 of 4 stars). 2 submissions from 2 submitters: Uncertain significance (2). Last evaluated 2025-11-06.

Conditions:
Inborn genetic diseases. Identifiers: MedGen C0950123, MeSH D030342.

Submissions (2):

Ambry Genetics
Classification: Uncertain significance for Inborn genetic diseases. Last evaluated: 2025-11-06. Review status: criteria provided, single submitter. Criteria: Ambry Variant Classification Scheme 2023. Collection method: clinical testing. Allele origin: germline.

Dasa
Classification: Uncertain significance. Last evaluated: 2025-01-02. Review status: criteria provided, single submitter. Criteria: DASA Assertion Criteria. Collection method: clinical testing. Allele origin: germline.
Comment: NM_001081550.2(THOC2):c.3905A>G (p.Lys1302Arg) is a missense variant that results in the substitution of lysine with arginine. This variant is absent from population databases. Computational prediction algorithms are consistent with a benign effect. The currently available literature and clinical evidence are not sufficient to establish a definitive association between this variant and the reported condition. Therefore, this variant is classified as a variant of uncertain significance.